The following is an entry in ClinVar:

ClinVar aggregate classification (germline): Pathogenic/Likely pathogenic. Review status: criteria provided, multiple submitters, no conflicts (2 of 4 stars). 7 submissions from 7 submitters: Pathogenic (4); Likely pathogenic (2). 1 of the submissions does not count toward it. Last evaluated 2026-09-22.

Conditions:
Pseudohypoparathyroidism type I A (PHP1A). Also called: Pseudohypoparathyroidism Type IA; ALBRIGHT HEREDITARY OSTEODYSTROPHY WITH MULTIPLE HORMONE RESISTANCE; PHP IA; Pseudohypoparathyroidism type 1A; Pseudohypoparathyroidism Ia (PHP-Ia). Identifiers: Orphanet 79443, MedGen C3494506, MONDO:0007078, OMIM 103580.
GNAS-related disorder. Identifiers: MedGen CN380105.

Submissions (7):

GeneDx
Classification: Likely pathogenic. Last evaluated: 2026-09-22. Review status: criteria provided, single submitter. Criteria: GeneDx Variant Classification Process June 2021. Collection method: clinical testing. Allele origin: germline.
Comment: Also reported in four children from a cohort of patients with severe childhood-onset obesity (PMID: 34614324); Published functional studies show conflicting effects with regard the functional consequence of this variant (PMID: 24982418, 29628140, 34614324); Not observed at significant frequency in large population cohorts (gnomAD); In silico analysis supports that this missense variant has a deleterious effect on protein structure/function; This variant is associated with the following publications: (PMID: 29628140, 31886927, 34614324, 33726816, 11412411, 24982418, 35982159, 33057194, 40784814, 40745211, 38925329)

Clinical Genetics and Genomics, Karolinska University Hospital
Classification: Likely pathogenic for Pseudohypoparathyroidism type I A. Last evaluated: 2026-02-05. Review status: criteria provided, single submitter. Criteria: ACMG Guidelines, 2015. Collection method: clinical testing. Allele origin: de novo. Inheritance: Autosomal dominant inheritance. Affected: yes.

Dasa
Classification: Pathogenic. Last evaluated: 2025-10-28. Review status: criteria provided, single submitter. Criteria: DASA Assertion Criteria. Collection method: clinical testing. Allele origin: germline.
Comment: NM_000516.7(GNAS):c.794G>A (p.Arg265His) is a missense variant that results in the substitution of arginine with histidine. Functional evidence supports a deleterious effect on the gene or gene product (PMID: 11412411; PMID: 32384097; PMID: 28663568; PMID: 34614324; PMID: 24982418). This variant has been recurrently observed in individuals with related phenotype (PMID: 11412411; PMID: 32384097; PMID: 28663568; PMID: 34614324; PMID: 24982418). Multiple computational predictions support a deleterious effect on the gene or gene product. Based on the available data, this variant is classified as pathogenic.

Variantyx, Inc.
Classification: Pathogenic for Pseudohypoparathyroidism type I A. Last evaluated: 2025-09-17. Review status: criteria provided, single submitter. Criteria: Variantyx Assertion Criteria 2022. Collection method: clinical testing. Allele origin: de novo. Inheritance: Autosomal dominant inheritance. Affected: yes.
Comment: This is a nonsynonymous variant in the GNAS gene (OMIM: 139320). Pathogenic variants in this gene have been associated with autosomal dominant pseudohypoparathyroidism Ia. Functional studies have shown that this variant alters GNAS protein function (PMID: 24982418, 34614324) (PS3). This variant is absent from control populations (PM2). Based on the current evidence, this variant is classified as pathogenic for autosomal dominant pseudohypoparathyroidism Ia.

Labcorp Genetics (formerly Invitae), Labcorp
Classification: Pathogenic. Last evaluated: 2024-09-02. Review status: criteria provided, single submitter. Criteria: Invitae Variant Classification Sherloc (09022015). Collection method: clinical testing. Allele origin: germline.
Comment: This sequence change replaces arginine, which is basic and polar, with histidine, which is basic and polar, at codon 265 of the GNAS protein (p.Arg265His). This variant is not present in population databases (gnomAD no frequency). This missense change has been observed in individual(s) with Albright’s hereditary osteodystrophy, pseudohypoparathyroidism and/or GNAS-related conditions (PMID: 11412411, 34614324). In at least one individual the variant was observed to be de novo. ClinVar contains an entry for this variant (Variation ID: 1065889). Invitae Evidence Modeling of protein sequence and biophysical properties (such as structural, functional, and spatial information, amino acid conservation, physicochemical variation, residue mobility, and thermodynamic stability) indicates that this missense variant is expected to disrupt GNAS protein function with a positive predictive value of 80%. Experimental studies have shown that this missense change affects GNAS function (PMID: 24982418, 29628140, 34614324). For these reasons, this variant has been classified as Pathogenic.

Genetics of Obesity Study, University of Cambridge
Classification: Pathogenic for Pseudohypoparathyroidism type I A. Last evaluated: 2020-06-01. Review status: criteria provided, single submitter. Criteria: ACMG Guidelines, 2015. Collection method: research. Allele origin: germline. Affected: yes. Observed: 4 variant alleles.

PreventionGenetics, part of Exact Sciences
Classification: Likely pathogenic for GNAS-related condition. Last evaluated: 2024-06-26. Review status: no assertion criteria provided. Collection method: clinical testing. Allele origin: germline. Not counted in ClinVar's aggregate classification.
Comment: The GNAS c.794G>A variant is predicted to result in the amino acid substitution p.Arg265His. This variant has been reported in multiple individuals with severe obesity, speech delay, and learning disability; and functional studies indicated this amino acid substitution decreases protein activity (Table 1, Mendes de Oliveira et al. 2021. PubMed ID: 34614324). This variant has also been reported as de novo in an individual with a developmental disorder (Table S1, Kaplanis et al. 2020. PubMed ID: 33057194) and de novo in an individual with unspecified phenotype (Table S7, Stranneheim et al. 2021. PubMed ID: 33726816). This variant has not been reported in the large population database gnomAD, indicating this variant is rare. Given the evidence, we interpret this variant as likely pathogenic.

Literature cited by the submitters: PubMed 11412411 (cited by 3 submitters); PubMed 32384097 (cited by Dasa); PubMed 28663568 (cited by Dasa); PubMed 34614324 (cited by 4 submitters); PubMed 24982418 (cited by 3 submitters); PubMed 31886927 (cited by Variantyx, Inc.); PubMed 29628140 (cited by Labcorp Genetics (formerly Invitae), Labcorp).

NM_000516.7(GNAS):c.794G>A (p.Arg265His)

Gene: GNAS (GNAS complex locus; plus strand). Cytogenetic location: 20q13.32.
Variant type: single nucleotide variant.
Coding change: c.794G>A on transcript NM_000516.7 (MANE Select); coding-DNA position 794, G replaced by A.
Protein change: p.Arg265His; replaces arginine 265 with histidine.
Molecular consequence: missense variant. On other transcripts: 3 prime UTR variant (2).
Genome position (GRCh38, 1-based): chr20:58,909,759, G>A. VCF-style: chr20-58909759-G-A. GRCh37 (hg19) VCF-style: chr20-57484814-G-A.
Other names: c.794G>A (NM_000516.4, NM_000516.5); c.797G>A, p.Arg266His (NM_001077488.5); c.749G>A, p.Arg250His (NM_001077489.4); c.*655G>A (NM_001077490.3); c.617G>A, p.Arg206His (NM_001309840.2, NM_001309861.2); c.*700G>A (NM_016592.5); c.2723G>A, p.Arg908His (NM_080425.4); c.752G>A, p.Arg251His (NM_080426.4); short protein forms R265H, R206H, R250H, R251H, R266H, R908H.
Identifiers: ClinVar variation 1065889 (VCV001065889.18), dbSNP rs2146285582, ClinGen allele CA409452667.